The following is an entry in ClinVar:

ClinVar aggregate classification (germline): Likely pathogenic (1 of 4 stars; one submission).

Conditions:
Autosomal recessive nonsyndromic hearing loss 12. Also called: DEAFNESS, AUTOSOMAL RECESSIVE 12. Identifiers: Orphanet 90636, MedGen C1832394, MONDO:0011067, OMIM 601386.

Submission:

Institute of Rare Diseases, West China Hospital, Sichuan University
Classification: Likely pathogenic for Autosomal recessive nonsyndromic hearing loss 12. Last evaluated: 2025-01-09. Review status: criteria provided, single submitter. Criteria: ClinGen HL ACMG Specifications v1. Collection method: research. Allele origin: germline. Affected: yes.
Comment: PVS1;PM2_Supporting

NM_022124.6(CDH23):c.8722+1G>T

Gene: CDH23 (cadherin related 23; plus strand). Cytogenetic location: 10q22.1.
Variant type: single nucleotide variant.
Coding change: c.8722+1G>T on transcript NM_022124.6 (MANE Select); the canonical splice donor site of the intron after coding-DNA position 8722, G replaced by T.
Molecular consequence: splice donor variant.
Genome position (GRCh38, 1-based): chr10:71,808,008, G>T. VCF-style: chr10-71808008-G-T. GRCh37 (hg19) VCF-style: chr10-73567765-G-T.
Other names: c.2002+1G>T (NM_001171933.1, NM_001171934.1).
Identifiers: ClinVar variation 3601701 (VCV003601701.1).